The following is an entry in ClinVar:

NM_006013.5(RPL10):c.236G>C (p.Ser79Thr)

Gene: RPL10 (ribosomal protein L10; plus strand). Cytogenetic location: Xq28.
Variant type: single nucleotide variant.
Coding change: c.236G>C on transcript NM_006013.5 (MANE Select); coding-DNA position 236, G replaced by C.
Protein change: p.Ser79Thr; replaces serine 79 with threonine.
Molecular consequence: missense variant.
Genome position (GRCh38, 1-based): chrX:154,399,848, G>C. VCF-style: chrX-154399848-G-C. GRCh37 (hg19) VCF-style: chrX-153628189-G-C.
Other names: c.236G>C, p.Ser79Thr (NM_001256577.2, NM_001303624.2, NM_001303625.1 and 1 more transcripts); c.128G>C, p.Ser43Thr (NM_001256580.2); short protein forms S43T, S79T.
Identifiers: ClinVar variation 931462 (VCV000931462.5), dbSNP rs782088842, ClinGen allele CA10561854.

ClinVar aggregate classification (germline): Uncertain significance. Review status: criteria provided, multiple submitters, no conflicts (2 of 4 stars). 2 submissions from 2 submitters: Uncertain significance (2). Last evaluated 2019-08-09.

Conditions:
Intellectual developmental disorder, X-linked, syndromic 35. Also called: Intellectual disability, X-linked, syndromic, 35. Identifiers: MedGen C4478383, MONDO:0030908, OMIM 300998.

Allele frequency attached by ClinVar (database versions not stated): gnomAD 0.00001; gnomAD exomes 0.00001; ExAC 0.00001.
gnomAD v4.1: 3 of 1,210,574 alleles (0.00025%); highest among the groups gnomAD compares: Admixed American, 0.0044%; no homozygotes.

Submissions (2):

GeneDx
Classification: Uncertain significance. Last evaluated: 2019-08-09. Review status: criteria provided, single submitter. Criteria: GeneDx Variant Classification Process June 2021. Collection method: clinical testing. Allele origin: germline. Affected: yes.
Comment: Not observed at a significant frequency in large population cohorts (Lek et al., 2016); In silico analysis, which includes protein predictors and evolutionary conservation, supports that this variant does not alter protein structure/function; Has not been previously published as pathogenic or benign to our knowledge

Centre for Mendelian Genomics, University Medical Centre Ljubljana
Classification: Uncertain significance for Intellectual developmental disorder, X-linked, syndromic 35. Last evaluated: 2019-04-11. Review status: criteria provided, single submitter. Criteria: ACMG Guidelines, 2015. Collection method: clinical testing. Allele origin: unknown. Affected: yes.
Comment: This variant was classified as: Uncertain significance. The available evidence on this variant's pathogenicity is insufficient or conflicting. The following ACMG criteria were applied in classifying this variant: No criteria apply. This variant was detected in hemizygous state.